The following is an entry in ClinVar:

NM_001083619.3(GRIA2):c.2441C>G (p.Ala814Gly)

Gene: GRIA2 (glutamate ionotropic receptor AMPA type subunit 2; plus strand). Cytogenetic location: 4q32.1.
Variant type: single nucleotide variant.
Coding change: c.2441C>G on transcript NM_001083619.3 (MANE Select); coding-DNA position 2441, C replaced by G.
Protein change: p.Ala814Gly; replaces alanine 814 with glycine.
Molecular consequence: missense variant.
Genome position (GRCh38, 1-based): chr4:157,362,833, C>G. VCF-style: chr4-157362833-C-G. GRCh37 (hg19) VCF-style: chr4-158283985-C-G.
Other names: c.2441C>G, p.Ala814Gly (NM_000826.6); c.2300C>G, p.Ala767Gly (NM_001083620.3, NM_001379000.3, NM_001379001.3); short protein forms A767G, A814G.
Identifiers: ClinVar variation 4292188 (VCV004292188.1).

ClinVar aggregate classification (germline): Uncertain significance (1 of 4 stars; one submission).

Conditions:
Neurodevelopmental disorder with language impairment and behavioral abnormalities. Also called: GRIA2-related neurodevelopmental disorder. Identifiers: MedGen C5394502, MONDO:0030060, OMIM 618917.

Submission:

3billion
Classification: Uncertain significance for Neurodevelopmental disorder with language impairment and behavioral abnormalities. Last evaluated: 2024-12-10. Review status: criteria provided, single submitter. Criteria: ACMG Guidelines, 2015. Collection method: clinical testing. Allele origin: germline. Affected: yes.
Comment: The variant is not observed in the gnomAD v4.1.0 dataset. Predicted Consequence/Location: Missense variant. Missense changes are a common disease-causing mechanism. In silico tool predictions suggest damaging effect of the variant on gene or gene product [3Cnet: 0.97 (>=0.6, sensitivity 0.72 and precision 0.9)]. Different missense changes at the same codon have been reported as of uncertain significance (ClinVar ID: VCV002284106). Therefore, this variant is classified as VUS according to the recommendation of ACMG/AMP guideline.